The following is an entry in ClinVar:

ClinVar aggregate classification (germline): Conflicting classifications of pathogenicity. Review status: criteria provided, conflicting classifications (1 of 4 stars). 4 submissions from 4 submitters: Uncertain significance (3); Likely benign (1). Last evaluated 2025-03-27.

Conditions:
Hereditary cancer-predisposing syndrome. Also called: Neoplastic Syndromes, Hereditary; Hereditary Cancer Syndrome; Tumor predisposition; Hereditary neoplastic syndrome. Identifiers: Orphanet 140162, MedGen C0027672, MeSH D009386, MONDO:0015356.
Hereditary breast ovarian cancer syndrome. Also called: BRCA1- and BRCA2-Associated Hereditary Breast and Ovarian Cancer; Hereditary breast and ovarian cancer; Hereditary breast and ovarian cancer syndrome; Hereditary breast and/or ovarian cancer syndrome; Hereditary breast and ovarian cancer syndrome (HBOC); Breast and ovarian cancer. Identifiers: Orphanet 145, MedGen C0677776, MeSH D061325, MONDO:0003582. Disease mechanism: loss of function.

Submissions (4):

Labcorp Genetics (formerly Invitae), Labcorp
Classification: Uncertain significance for Hereditary breast ovarian cancer syndrome. Last evaluated: 2025-03-27. Review status: criteria provided, single submitter. Criteria: Invitae Variant Classification Sherloc (09022015). Collection method: clinical testing. Allele origin: germline.
Comment: This sequence change replaces asparagine, which is neutral and polar, with serine, which is neutral and polar, at codon 704 of the BRCA1 protein (p.Asn704Ser). This variant is not present in population databases (gnomAD no frequency). This variant has not been reported in the literature in individuals affected with BRCA1-related conditions. ClinVar contains an entry for this variant (Variation ID: 972025). Invitae Evidence Modeling of protein sequence and biophysical properties (such as structural, functional, and spatial information, amino acid conservation, physicochemical variation, residue mobility, and thermodynamic stability) indicates that this missense variant is not expected to disrupt BRCA1 protein function with a negative predictive value of 80%. In summary, the available evidence is currently insufficient to determine the role of this variant in disease. Therefore, it has been classified as a Variant of Uncertain Significance.

GeneDx
Classification: Uncertain significance. Last evaluated: 2023-08-22. Review status: criteria provided, single submitter. Criteria: GeneDx Variant Classification Process June 2021. Collection method: clinical testing. Allele origin: germline. Affected: yes.
Comment: Not observed at significant frequency in large population cohorts (gnomAD); In silico analysis supports that this missense variant has a deleterious effect on protein structure/function; Has not been previously published as pathogenic or benign to our knowledge; Also known as 2230A>G; This variant is associated with the following publications: (PMID: 15343273)

Ambry Genetics
Classification: Uncertain significance for Hereditary cancer-predisposing syndrome. Last evaluated: 2023-06-04. Review status: criteria provided, single submitter. Criteria: Ambry Variant Classification Scheme 2023. Collection method: clinical testing. Allele origin: germline.
Comment: The p.N704S variant (also known as c.2111A>G), located in coding exon 9 of the BRCA1 gene, results from an A to G substitution at nucleotide position 2111. The asparagine at codon 704 is replaced by serine, an amino acid with highly similar properties. This amino acid position is not well conserved in available vertebrate species. In addition, this alteration is predicted to be tolerated by in silico analysis. Since supporting evidence is limited at this time, the clinical significance of this alteration remains unclear.

University of Washington Department of Laboratory Medicine, University of Washington
Classification: Likely benign for Hereditary cancer-predisposing syndrome. Last evaluated: 2023-03-23. Review status: criteria provided, single submitter. Criteria: Dines et al. (Genet Med. 2020). Collection method: curation. Allele origin: germline.
Comment: Missense variant in a coldspot region where missense variants are very unlikely to be pathogenic (PMID:31911673).

BRCA1 coldspot (exon 11 using historical exon numbering). Reclassification based on statistical prior probability

NM_007294.4(BRCA1):c.2111A>G (p.Asn704Ser)

Gene: BRCA1 (BRCA1 DNA repair associated; minus strand). Cytogenetic location: 17q21.31.
Variant type: single nucleotide variant.
Coding change: c.2111A>G on transcript NM_007294.4 (MANE Select); coding-DNA position 2111, A replaced by G.
Protein change: p.Asn704Ser; replaces asparagine 704 with serine.
Molecular consequence: missense variant. On other transcripts: intron variant (137).
Genome position (GRCh38, 1-based): chr17:43,093,420, T>C on the plus strand (A>G on the coding strand, the complement: BRCA1 is on the minus strand). VCF-style: chr17-43093420-T-C. GRCh37 (hg19) VCF-style: chr17-41245437-T-C.
Other names: c.2111A>G, p.Asn704Ser (NM_001407594.1, NM_001407596.1, NM_001407597.1 and 30 more transcripts); c.2108A>G, p.Asn703Ser (NM_001407611.1, NM_001407612.1, NM_001407613.1 and 22 more transcripts); c.1898A>G, p.Asn633Ser (NM_001407571.1, NM_001407853.1, NM_001407894.1 and 9 more transcripts); c.2102A>G, p.Asn701Ser (NM_001407646.1, NM_001407647.1); c.1988A>G, p.Asn663Ser (NM_001407648.1, NM_001407664.1, NM_001407665.1 and 19 more transcripts); c.1985A>G, p.Asn662Ser (NM_001407649.1, NM_001407670.1, NM_001407671.1 and 11 more transcripts); c.2033A>G, p.Asn678Ser (NM_001407653.1, NM_001407654.1, NM_001407655.1 and 4 more transcripts); c.2030A>G, p.Asn677Ser (NM_001407659.1, NM_001407660.1, NM_001407661.1 and 1 more transcripts); and 41 more; short protein forms N657S, N704S, N592S, N637S, N678S, N701S, N576S, N633S.
Identifiers: ClinVar variation 972025 (VCV000972025.14), dbSNP rs2053824395, ClinGen allele CA10597780.